The following continues an entry in ClinVar:

NM_001111.5(ADAR):c.3019G>A (p.Gly1007Arg)

Gene: ADAR. ClinVar aggregate classification (germline): Pathogenic/Likely pathogenic. Pathogenic (16); Likely pathogenic (3).

Submissions 12 to 23 of 23:

Victorian Clinical Genetics Services, Murdoch Childrens Research Institute
Classification: Pathogenic for Aicardi-Goutieres syndrome 6. Last evaluated: 2021-05-06. Review status: criteria provided, single submitter. Criteria: ACMG Guidelines, 2015. Collection method: clinical testing. Allele origin: germline. Affected: yes.
Comment: Based on the classification scheme VCGS_Germline_v1.3.4, this variant is classified as Pathogenic. Following criteria are met: 0103 - Dominant negative and loss of function are known mechanisms of disease in this gene and are associated with AGS 6 (MIM#615010) and DSH (MIM#127400). The dominant negative mechanism has only been reported for a single variant (p.Gly1007Arg), whereas all other variants have been reported with a loss of function mechanism (PMID: 23001123, PMID: 28561207, OMIM). (I) 0108 - This gene is associated with both recessive and dominant disease. AGS is normally a recessive condition, caused by variants found within isoform p150. The p.(Gly1007Arg) variant is the only dominantly-acting variant to cause AGS. DHS is a dominant condition caused by variants found within isoform p110 (PMID: 25456137, PMID: 23001123). (I) 0112 - The condition associated with this gene has incomplete penetrance. This variant (p.Gly1007Arg) has been reported in probands with unaffected parents (PMID: 28561207). (I) 0115 - Variants in this gene are known to have variable expressivity (OMIM). (I) 0200 - Variant is predicted to result in a missense amino acid change from glycine to arginine. (I) 0251 - This variant is heterozygous. (I) 0301 - Variant is absent from gnomAD (both v2 and v3). (SP) 0501 - Missense variant consistently predicted to be damaging by multiple in silico tools or highly conserved with a major amino acid change. (SP) 0600 - Variant is located at the surface of the annotated catalytic domain (PMID: 23001123). (I) 0705 - No comparable missense variants have previous evidence for pathogenicity. (I) 0801 - This variant has strong previous evidence of pathogenicity in unrelated individuals. This variant have been reported many times as pathogenic (ClinVar), and been reported in multiple heterozygous patients with Aicardi-Goutieres syndrome (AGS), who either inherited the variant from unaffected parents, or the variant arose de novo. It has also been reported in several patients with dyschromatosis symmetrica hereditarian (DHS) (ClinVar, OMIM, PMID: 23001123, PMID: 28561207, PMID: 16817193). (SP) 1002 - This variant has moderate functional evidence supporting abnormal protein function. Transfected HEK293 cells have been proven to have a significant reduction in editing activity (PMID: 23001123). (SP) Legend: (SP) - Supporting pathogenic, (I) - Information, (SB) - Supporting benign

Institute of Human Genetics Munich, TUM University Hospital
Classification: Pathogenic for Aicardi-Goutieres syndrome 6. Last evaluated: 2020-09-11. Review status: criteria provided, single submitter. Criteria: Classification criteria August 2017. Collection method: clinical testing. Allele origin: paternal. Inheritance: Autosomal recessive inheritance. Affected: yes. Observed: 1 variant allele.

Johns Hopkins Genomics, Johns Hopkins University
Classification: Pathogenic for Aicardi-Goutieres syndrome 6. Last evaluated: 2020-05-30. Review status: criteria provided, single submitter. Criteria: ACMG Guidelines, 2015. Collection method: clinical testing. Allele origin: germline.
Comment: This ADAR variant is absent from a large population dataset and has an entry in ClinVar. It has been reported in at least eleven individuals from nine families with autosomal dominant Aicardi-Goutieres syndrome. In four families, the c.3019G>A variant occurred de novo. Independent functional studies have shown that the p.Gly1007Arg substitution inhibits the RNA editing activity of ADAR1, presumably through steric hindrance at the base-flipping step of the deaminase reaction. We consider this variant to be pathogenic.

Centre for Mendelian Genomics, University Medical Centre Ljubljana
Classification: Pathogenic for Aicardi-Goutieres syndrome 6. Last evaluated: 2019-03-17. Review status: criteria provided, single submitter. Criteria: ACMG Guidelines, 2015. Collection method: clinical testing. Allele origin: unknown. Affected: yes.
Comment: This variant was classified as: Pathogenic. The following ACMG criteria were applied in classifying this variant: PS1,PM1,PM2,PM5,PP3.

Fulgent Genetics
Classification: Pathogenic for Symmetrical dyschromatosis of extremities; Aicardi-Goutieres syndrome 6. Last evaluated: 2018-10-31. Review status: criteria provided, single submitter. Criteria: ACMG Guidelines, 2015. Collection method: clinical testing. Allele origin: unknown.

UCLA Clinical Genomics Center, UCLA
Classification: Likely pathogenic for Symmetrical dyschromatosis of extremities. Last evaluated: 2013-05-14. Review status: criteria provided, single submitter. Criteria: Lee et al. (JAMA. 2014). Collection method: clinical testing. Allele origin: de novo. Inheritance: Autosomal dominant inheritance. Affected: yes. Study: CES.

Neuberg Centre For Genomic Medicine, NCGM
Classification: Pathogenic for Aicardi-Goutieres syndrome 6. Review status: criteria provided, single submitter. Criteria: ACMG Guidelines, 2015. Collection method: clinical testing. Allele origin: germline. Affected: yes.
Comment: The missense variant p.G1007R in ADAR (NM_001111.5) has been previously reported in multiple individuals with dominant Aicardi Goutieres syndrome (Kondo T et al,2008). Functional analysis revealed a damagig effect (Fisher AJ et al,2017). The variant has been submitted to ClinVar as Pathogenic. The p.G1007R variant is novel (not in any individuals) in gnomAD Exomes and is novel (not in any individuals) in 1000 Genomes. The p.G1007R missense variant is predicted to be damaging by both SIFT and PolyPhen2. The nucleotide c.3019 in ADAR is predicted conserved by GERP++ and PhyloP across 100 vertebrates. For these reasons, this variant has been classified as Pathogenic.

Wangler Lab, Baylor College of Medicine
Classification: Pathogenic for Aicardi-Goutieres syndrome 6. Review status: criteria provided, single submitter. Criteria: ACMG Guidelines, 2015. Collection method: clinical testing. Allele origin: unknown. Affected: yes. Observed: 1 heterozygote.
Comment: This ADAR variant at c.3019G>A (p.G1007R) was seen on exome through the Texome project (R01HG011795). This variant has been described as a de novo variant in the heterozygous state in individuals with autosomal dominant Aicardi-Goutières syndrome (PMID: 23001123, 33307271) and in individuals with dyschromatosis symmetrica hereditaria with additional features including dystonia, mental deterioration and brain MRI abnormalities (PMID: 16817193, 19017046). In addition, this heterozygous variant has been described in two individuals with tremors, spasticity/dystonia, abnormal MRI findings and progressive motor deterioration (PMID: 24262145, 29691679) and two internal cases with a similar phenotype. This variant is absent from gnomAD (PM2). Functional studies suggest this variant showed a significant effect on editing function of the protein, with levels of editing equivalent to those seen with inactive protein (PMID: 23001123) (PS3). This heterozygous variant shows RNA editing deficiency similar to Aicardi-Goutières associated variants and more severely affected when compared to dyschromatosis symmetrica hereditaria associated variants (PMID: 26802932).This variant lies at the last nucleotide of exon 11 (of 15) for the reported transcript. This variant is predicted to be deleterious(CADD: 34.000, SpliceAI: 0.190) (PP3). The evolutionary conservation of this residue is high. Variant is located in the adenosinede aminase/editase domain (PMID: 23001123). We classify this variant as pathogenic.

OMIM
Classification: Pathogenic for DYSCHROMATOSIS SYMMETRICA HEREDITARIA. Last evaluated: 2014-12-01. Review status: no assertion criteria provided. Collection method: literature only. Allele origin: germline. Not counted in ClinVar's aggregate classification.

OMIM
Classification: Pathogenic for AICARDI-GOUTIERES SYNDROME 6. Last evaluated: 2014-12-01. Review status: no assertion criteria provided. Collection method: literature only. Allele origin: germline. Not counted in ClinVar's aggregate classification.

ClinVar Staff, National Center for Biotechnology Information (NCBI)
Classification: Likely pathogenic for Aicardi-goutieres syndrome 6. Last evaluated: 2013-06-27. Review status: no assertion criteria provided. Collection method: literature only. Allele origin: germline. Affected: yes. Not counted in ClinVar's aggregate classification.

GeneReviews
No classification provided. Condition: Aicardi-Goutieres syndrome 6. Review status: no classification provided. Collection method: literature only. Allele origin: germline. Affected: yes. Not counted in ClinVar's aggregate classification.

Literature cited by the submitters: PubMed 23001123 (cited by 9 submitters); PubMed 29691679 (cited by 3 submitters); PubMed 34702576 (cited by Ambry Genetics and North West Genomic Laboratory Hub, Manchester University NHS Foundation Trust); PubMed 37171742 (cited by Ambry Genetics); PubMed 38431799 (cited by Ambry Genetics); PubMed 39347527 (cited by Ambry Genetics); PubMed 15955093 (cited by Labcorp Genetics (formerly Invitae), Labcorp); PubMed 16817193 (cited by 4 submitters); PubMed 19017046 (cited by 3 submitters); PubMed 24262145 (cited by 4 submitters); PubMed 25243380 (cited by 4 submitters); PubMed 28561207 (cited by 3 submitters); PubMed 32801363 (cited by Labcorp Genetics (formerly Invitae), Labcorp); PubMed 33307271 (cited by 4 submitters); PubMed 26802932 (cited by Labcorp Genetics (formerly Invitae), Labcorp and Wangler Lab, Baylor College of Medicine); PubMed 29775506 (cited by Labcorp Genetics (formerly Invitae), Labcorp); PubMed 17576681 (cited by Labcorp Genetics (formerly Invitae), Labcorp); PubMed 9536098 (cited by Labcorp Genetics (formerly Invitae), Labcorp); PubMed 26372505 (cited by Unidad de Genómica Garrahan, Hospital de Pediatría Garrahan and Johns Hopkins Genomics, Johns Hopkins University); PubMed 26892242 (cited by North West Genomic Laboratory Hub, Manchester University NHS Foundation Trust); PubMed 25456137 (cited by Victorian Clinical Genetics Services, Murdoch Childrens Research Institute); PubMed 27937139 (cited by Johns Hopkins Genomics, Johns Hopkins University); NCBI Bookshelf NBK1475 (cited by GeneReviews).